The following is an entry in ClinVar:

ClinVar aggregate classification (germline): Uncertain significance (1 of 4 stars; one submission).

Allele frequency attached by ClinVar (database versions not stated): ExAC 0.00001.
gnomAD v4.1: 2 of 1,613,096 alleles (0.00012%); highest among the groups gnomAD compares: Middle Eastern, 0.017%; no homozygotes.

Submission:

Labcorp Genetics (formerly Invitae), Labcorp
Classification: Uncertain significance. Last evaluated: 2023-10-15. Review status: criteria provided, single submitter. Criteria: Invitae Variant Classification Sherloc (09022015). Collection method: clinical testing. Allele origin: germline.
Comment: This sequence change falls in intron 2 of the HMOX1 gene. It does not directly change the encoded amino acid sequence of the HMOX1 protein. It affects a nucleotide within the consensus splice site. This variant is present in population databases (rs763526327, gnomAD 0.0009%). This variant has not been reported in the literature in individuals affected with HMOX1-related conditions. Variants that disrupt the consensus splice site are a relatively common cause of aberrant splicing (PMID: 17576681, 9536098). Algorithms developed to predict the effect of sequence changes on RNA splicing suggest that this variant is not likely to affect RNA splicing. In summary, the available evidence is currently insufficient to determine the role of this variant in disease. Therefore, it has been classified as a Variant of Uncertain Significance.

Literature cited by the submitters: PubMed 17576681; PubMed 9536098.

NM_002133.3(HMOX1):c.144+5G>C

Gene: HMOX1 (heme oxygenase 1; plus strand). Cytogenetic location: 22q12.3.
Variant type: single nucleotide variant.
Coding change: c.144+5G>C on transcript NM_002133.3 (MANE Select); 5 bases into the intron after coding-DNA position 144, G replaced by C.
Molecular consequence: intron variant.
Genome position (GRCh38, 1-based): chr22:35,383,231, G>C. VCF-style: chr22-35383231-G-C. GRCh37 (hg19) VCF-style: chr22-35779224-G-C.
Identifiers: ClinVar variation 2737486 (VCV002737486.3), dbSNP rs763526327, ClinGen allele CA10204630.